The following is an entry in ClinVar:

NM_015690.5(STK36):c.3176C>T (p.Pro1059Leu)

Gene: STK36 (serine/threonine kinase 36; plus strand). Cytogenetic location: 2q35.
Variant type: single nucleotide variant.
Coding change: c.3176C>T on transcript NM_015690.5 (MANE Select); coding-DNA position 3176, C replaced by T.
Protein change: p.Pro1059Leu; replaces proline 1059 with leucine.
Molecular consequence: missense variant.
Genome position (GRCh38, 1-based): chr2:218,698,720, C>T. VCF-style: chr2-218698720-C-T. GRCh37 (hg19) VCF-style: chr2-219563443-C-T.
Other names: c.3113C>T, p.Pro1038Leu (NM_001243313.2); c.3176C>T, p.Pro1059Leu (NM_001369423.1); short protein forms P1038L, P1059L.
Identifiers: ClinVar variation 1350518 (VCV001350518.6), dbSNP rs1575144500, ClinGen allele CA350578613.

ClinVar aggregate classification (germline): Uncertain significance (1 of 4 stars; one submission).

Allele frequency attached by ClinVar (database versions not stated): gnomAD exomes below 0.00001.
gnomAD v4.1: 4 of 1,614,224 alleles (0.00025%); highest among the groups gnomAD compares: Non-Finnish European, 0.00034%; no homozygotes.

Submission:

Labcorp Genetics (formerly Invitae), Labcorp
Classification: Uncertain significance. Last evaluated: 2021-06-02. Review status: criteria provided, single submitter. Criteria: Invitae Variant Classification Sherloc (09022015). Collection method: clinical testing. Allele origin: germline.
Comment: This sequence change replaces proline with leucine at codon 1059 of the STK36 protein (p.Pro1059Leu). The proline residue is highly conserved and there is a moderate physicochemical difference between proline and leucine. This variant is not present in population databases (ExAC no frequency). This variant has not been reported in the literature in individuals with STK36-related conditions. Algorithms developed to predict the effect of missense changes on protein structure and function are either unavailable or do not agree on the potential impact of this missense change (SIFT: "Deleterious"; PolyPhen-2: "Benign"; Align-GVGD: "Class C15"). In summary, the available evidence is currently insufficient to determine the role of this variant in disease. Therefore, it has been classified as a Variant of Uncertain Significance.